The following is an entry in ClinVar:

NM_001018113.3(FANCB):c.1327-1G>A

Gene: FANCB (FA complementation group B; minus strand). Cytogenetic location: Xp22.2.
Variant type: single nucleotide variant.
Coding change: c.1327-1G>A on transcript NM_001018113.3 (MANE Select); the canonical splice acceptor site of the intron before coding-DNA position 1327, G replaced by A.
Molecular consequence: splice acceptor variant.
Genome position (GRCh38, 1-based): chrX:14,850,675, C>T on the plus strand (G>A on the coding strand, the complement: FANCB is on the minus strand). VCF-style: chrX-14850675-C-T. GRCh37 (hg19) VCF-style: chrX-14868797-C-T.
Other names: c.1327-1G>A (NM_001410764.1, NM_001324162.2, NM_152633.4).
Identifiers: ClinVar variation 1475342 (VCV001475342.10), dbSNP rs1295003944, ClinGen allele CA412442343.

ClinVar aggregate classification (germline): Conflicting classifications of pathogenicity. Review status: criteria provided, conflicting classifications (1 of 4 stars). 3 submissions from 3 submitters: Likely pathogenic (2); Uncertain significance (1). Last evaluated 2024-04-09.

Conditions:
Fanconi anemia (FA). Also called: Fanconi's anemia. Identifiers: Orphanet 84, MedGen C0015625, MeSH D005199, MONDO:0019391.
Fanconi anemia complementation group B (FANCB). Also called: FANCONI PANCYTOPENIA, TYPE 2; FANCB-Related Fanconi Anemia. Identifiers: Orphanet 84, MedGen C1845292, MONDO:0010351, OMIM 300514.
Glioma susceptibility 1 (GLM1). Also called: Glioblastoma, somatic. Identifiers: MedGen C2750850, MONDO:0024498, OMIM 137800.

Allele frequency attached by ClinVar (database versions not stated): gnomAD exomes below 0.00001 and 0.00001; gnomAD 0.00001.
gnomAD v4.1: 3 of 1,098,873 alleles (0.00027%); highest among the groups gnomAD compares: Non-Finnish European, 0.00037%; no homozygotes.

Submissions (3):

Fulgent Genetics
Classification: Likely pathogenic for Fanconi anemia complementation group B. Last evaluated: 2024-04-09. Review status: criteria provided, single submitter. Criteria: ACMG Guidelines, 2015. Collection method: clinical testing. Allele origin: germline.

Institute of Medical Genetics and Applied Genomics, University Hospital Tübingen
Classification: Uncertain significance for Glioma susceptibility 1. Last evaluated: 2023-11-20. Review status: criteria provided, single submitter. Criteria: ACMG Guidelines, 2015. Collection method: clinical testing. Allele origin: germline.
Comment: Whole exome RNA sequencnig analysis conducted on a Astrozytom WHO-Grad II tumor specimen, featuring 60-75% tumor content, reveals no disruption of splice acceptor/donor site by the FANCB c.1327-1G>A. p.? variant. Therefore, we categorize the identified splice acceptor variant FANCB c.1327-1G>A. p.?, as a splice variant of uncertain significance, denoted as Class 3.

Labcorp Genetics (formerly Invitae), Labcorp
Classification: Likely pathogenic for Fanconi anemia. Last evaluated: 2023-08-29. Review status: criteria provided, single submitter. Criteria: Invitae Variant Classification Sherloc (09022015). Collection method: clinical testing. Allele origin: germline.
Comment: This variant is present in population databases (no rsID available, gnomAD no frequency), including at least one homozygous and/or hemizygous individual. Algorithms developed to predict the effect of sequence changes on RNA splicing suggest that this variant may disrupt the consensus splice site. In summary, the currently available evidence indicates that the variant is pathogenic, but additional data are needed to prove that conclusively. Therefore, this variant has been classified as Likely Pathogenic. ClinVar contains an entry for this variant (Variation ID: 1475342). This variant has not been reported in the literature in individuals affected with FANCB-related conditions. This sequence change affects an acceptor splice site in intron 6 of the FANCB gene. It is expected to disrupt RNA splicing. Variants that disrupt the donor or acceptor splice site typically lead to a loss of protein function (PMID: 16199547), and loss-of-function variants in FANCB are known to be pathogenic (PMID: 15502827, 23613520).

Literature cited by the submitters: PubMed 16199547 (cited by Labcorp Genetics (formerly Invitae), Labcorp); PubMed 15502827 (cited by Labcorp Genetics (formerly Invitae), Labcorp); PubMed 23613520 (cited by Labcorp Genetics (formerly Invitae), Labcorp).